The following is an entry in ClinVar:

NM_007118.4(TRIO):c.1082G>T (p.Gly361Val)

Gene: TRIO (trio Rho guanine nucleotide exchange factor; plus strand). Cytogenetic location: 5p15.2.
Variant type: single nucleotide variant.
Coding change: c.1082G>T on transcript NM_007118.4 (MANE Select); coding-DNA position 1082, G replaced by T.
Protein change: p.Gly361Val; replaces glycine 361 with valine.
Molecular consequence: missense variant. On other transcripts: non-coding transcript variant (1).
Genome position (GRCh38, 1-based): chr5:14,293,040, G>T. VCF-style: chr5-14293040-G-T. GRCh37 (hg19) VCF-style: chr5-14293149-G-T.
Other names: short protein forms G361V.
Identifiers: ClinVar variation 3361526 (VCV003361526.1).
Genomic context (GRCh38, chr5:14,293,040, plus strand): 5'-GTGATTGCGGGTTGTCTTTTTCCTTCCGGTAGATGTTTGACTGGATCACACACAACAAAG[G>T]CCTGTTTCTAAACAGCTACACAGAGATTGGGACCAGCCACCCTCATGCCATGGAGCTTCA-3'
Protein context (NP_009049.2, residues 351-371): KMFDWITHNK[Gly361Val]LFLNSYTEIG

ClinVar aggregate classification (germline): Uncertain significance (1 of 4 stars; one submission).

gnomAD v4.1: 14 of 1,613,988 alleles (0.00087%); highest among the groups gnomAD compares: Middle Eastern, 0.016%; no homozygotes.

Submission:

GeneDx
Classification: Uncertain significance. Last evaluated: 2023-07-24. Review status: criteria provided, single submitter. Criteria: GeneDx Variant Classification Process June 2021. Collection method: clinical testing. Allele origin: germline. Affected: yes.
Comment: In silico analysis supports that this missense variant has a deleterious effect on protein structure/function; Has not been previously published as pathogenic or benign to our knowledge